The following is an entry in ClinVar:

ClinVar aggregate classification (germline): Pathogenic (1 of 4 stars; one submission).

Conditions:
Early-infantile DEE. Also called: Early infantile epileptic encephalopathy; Ohtahara syndrome; Early infantile epileptic encephalopathy with suppression bursts. Identifiers: Orphanet 1934, MedGen C0393706, MONDO:0800491.

Submission:

Labcorp Genetics (formerly Invitae), Labcorp
Classification: Pathogenic for Early-infantile DEE. Last evaluated: 2022-07-05. Review status: criteria provided, single submitter. Criteria: Invitae Variant Classification Sherloc (09022015). Collection method: clinical testing. Allele origin: germline.
Comment: For these reasons, this variant has been classified as Pathogenic. ClinVar contains an entry for this variant (Variation ID: 1455651). This variant has not been reported in the literature in individuals affected with SCN1A-related conditions. This variant is not present in population databases (gnomAD no frequency). This sequence change creates a premature translational stop signal (p.Pro930Alafs*4) in the SCN1A gene. It is expected to result in an absent or disrupted protein product. Loss-of-function variants in SCN1A are known to be pathogenic (PMID: 17347258, 18930999).

Literature cited by the submitters: PubMed 17347258; PubMed 18930999.

NM_001165963.4(SCN1A):c.2787_2794del (p.Pro930fs)

Gene: SCN1A (sodium voltage-gated channel alpha subunit 1; minus strand). Cytogenetic location: 2q24.3.
Variant type: Deletion.
Coding change: c.2787_2794del on transcript NM_001165963.4 (MANE Select); coding-DNA positions 2787 to 2794, 8 bases deleted (CCCACGCT; older notation c.2787_2794delCCCACGCT).
Protein change: p.Pro930fs; shifts the reading frame from proline 930.
Molecular consequence: frameshift variant. On other transcripts: non-coding transcript variant (1).
Genome position (GRCh38, 1-based): chr2:166,037,928-166,037,935, AGCGTGGG deleted on the plus strand (CCCACGCT on the coding strand, the reverse complement: SCN1A is on the minus strand); deleting any 8 consecutive bases within chr2:166,037,928-166,037,937 gives the same sequence; the c. name uses the placement nearest the transcript's 3' end. VCF-style (leftmost placement, unchanged base first): chr2-166037927-CAGCGTGGG-C. GRCh37 (hg19) VCF-style: chr2-166894437-CAGCGTGGG-C.
Other names: c.2703_2710del, p.Pro902fs (NM_001165964.3, NM_001353957.2, NM_001353958.2); c.2787_2794del, p.Pro930fs (NM_001202435.3, NM_001353948.2); c.2754_2761del, p.Pro919fs (NM_001353949.2, NM_001353950.2, NM_001353951.2 and 2 more transcripts); c.2751_2758del, p.Pro918fs (NM_001353954.2, NM_001353955.2); c.2700_2707del, p.Pro901fs (NM_001353960.2); c.345_352del, p.Pro116fs (NM_001353961.2); short protein forms P116fs, P901fs, P902fs, P930fs, P918fs, P919fs.
Identifiers: ClinVar variation 1455651 (VCV001455651.7), dbSNP rs2105807030, ClinGen allele CA2573133521.
Genomic context (GRCh38, chr2:166,037,927, plus strand): 5'-CACTCCCCACACAGCACGCGGAACACAATCAGGAAGGAGTGGAAGAAGTCATTCATGTGC[CAGCGTGGG>C]AGTTGACAATCACTGGCGATCTTGCAGACACAATCTTTGTAGCTTTTACCAAAGAGCTGC-3'